The following is an entry in ClinVar:

ClinVar aggregate classification (germline): Uncertain significance (1 of 4 stars; one submission).

Conditions:
Immunodeficiency 28 (IMD28). Also called: IFNGR2 DEFICIENCY. Identifiers: Orphanet 319547, Orphanet 319574, MedGen C4013947, MONDO:0013953, OMIM 614889.

gnomAD v4.1: 1 of 1,360,550 alleles (0.000073%); highest among the groups gnomAD compares: Non-Finnish European, 0.000095%; no homozygotes.

Submission:

Labcorp Genetics (formerly Invitae), Labcorp
Classification: Uncertain significance for Immunodeficiency 28. Last evaluated: 2022-04-28. Review status: criteria provided, single submitter. Criteria: Invitae Variant Classification Sherloc (09022015). Collection method: clinical testing. Allele origin: germline.
Comment: This sequence change replaces tryptophan, which is neutral and slightly polar, with arginine, which is basic and polar, at codon 7 of the IFNGR2 protein (p.Trp7Arg). This variant is not present in population databases (gnomAD no frequency). This variant has not been reported in the literature in individuals affected with IFNGR2-related conditions. Algorithms developed to predict the effect of missense changes on protein structure and function are either unavailable or do not agree on the potential impact of this missense change (SIFT: "Deleterious"; PolyPhen-2: "Not Available"; Align-GVGD: "Class C0"). In summary, the available evidence is currently insufficient to determine the role of this variant in disease. Therefore, it has been classified as a Variant of Uncertain Significance.

NM_005534.4(IFNGR2):c.19T>C (p.Trp7Arg)

Genes: IFNGR2 (interferon gamma receptor 2; plus strand), LOC119266102 (IFNGR2 promoter region; plus strand). Cytogenetic location: 21q22.11.
Variant type: single nucleotide variant.
Coding change: c.19T>C on transcript NM_005534.4 (MANE Select); coding-DNA position 19, T replaced by C.
Protein change: p.Trp7Arg; replaces tryptophan 7 with arginine.
Molecular consequence: missense variant.
Genome position (GRCh38, 1-based): chr21:33,403,562, T>C. VCF-style: chr21-33403562-T-C. GRCh37 (hg19) VCF-style: chr21-34775868-T-C.
Other names: c.19T>C, p.Trp7Arg (NM_001329128.2); short protein forms W7R.
Identifiers: ClinVar variation 2131406 (VCV002131406.1), dbSNP rs1275268702, ClinGen allele CA410113887.